The following is an entry in ClinVar:

NM_000492.4(CFTR):c.1150G>T (p.Glu384Ter)

Gene: CFTR (CF transmembrane conductance regulator; plus strand). Cytogenetic location: 7q31.2.
Variant type: single nucleotide variant.
Coding change: c.1150G>T on transcript NM_000492.4 (MANE Select); coding-DNA position 1150, G replaced by T.
Protein change: p.Glu384Ter; replaces glutamic acid 384 with a stop codon.
Molecular consequence: nonsense.
Genome position (GRCh38, 1-based): chr7:117,542,049, G>T. VCF-style: chr7-117542049-G-T. GRCh37 (hg19) VCF-style: chr7-117182103-G-T.
Other names: short protein forms E384*.
Identifiers: ClinVar variation 973863 (VCV000973863.1), dbSNP rs1799061745, ClinGen allele CA368979977.

ClinVar aggregate classification (germline): Likely pathogenic (1 of 4 stars; one submission).

Conditions:
Cystic fibrosis (CF). Also called: MUCOVISCIDOSIS. Identifiers: Orphanet 586, MedGen C0010674, MONDO:0009061, OMIM 219700. Disease mechanism: loss of function.

Allele frequency attached by ClinVar (database versions not stated): gnomAD 0.00001.
gnomAD v4.1: 1 of 1,593,730 alleles (0.000063%); highest among the groups gnomAD compares: Non-Finnish European, 0.000086%; no homozygotes.

Submission:

Johns Hopkins Genomics, Johns Hopkins University
Classification: Likely pathogenic for Cystic fibrosis. Last evaluated: 2019-05-22. Review status: criteria provided, single submitter. Criteria: ACMG Guidelines, 2015. Collection method: clinical testing. Allele origin: germline.
Comment: This CFTR variant is absent from large population datasets and has not been reported in ClinVar nor the literature, to our knowledge. This nonsense variant results in a premature stop codon in exon 9 (legacy exon 8) likely leading to nonsense-mediated decay and lack of protein production. CFTR c.1150G>T has been identified in multiple patients who also carry a second damaging CFTR variant, however, the phenotypic information provided is discrepant. This variant is considered likely pathogenic.